The following is an entry in ClinVar:

NM_003901.4(SGPL1):c.413C>T (p.Ala138Val)

Gene: SGPL1 (sphingosine-1-phosphate lyase 1; plus strand). Cytogenetic location: 10q22.1.
Variant type: single nucleotide variant.
Coding change: c.413C>T on transcript NM_003901.4 (MANE Select); coding-DNA position 413, C replaced by T.
Protein change: p.Ala138Val; replaces alanine 138 with valine.
Molecular consequence: missense variant.
Genome position (GRCh38, 1-based): chr10:70,857,617, C>T. VCF-style: chr10-70857617-C-T. GRCh37 (hg19) VCF-style: chr10-72617374-C-T.
Other names: short protein forms A138V.
Identifiers: ClinVar variation 2417739 (VCV002417739.5), dbSNP rs748229676, ClinGen allele CA5541182.

ClinVar aggregate classification (germline): Uncertain significance (1 of 4 stars; one submission).

Allele frequency attached by ClinVar (database versions not stated): ExAC 0.00001.
gnomAD v4.1: 3 of 1,613,000 alleles (0.00019%); highest among the groups gnomAD compares: Non-Finnish European, 0.00025%; no homozygotes.

Submission:

Labcorp Genetics (formerly Invitae), Labcorp
Classification: Uncertain significance. Last evaluated: 2022-01-24. Review status: criteria provided, single submitter. Criteria: Invitae Variant Classification Sherloc (09022015). Collection method: clinical testing. Allele origin: germline.
Comment: This sequence change replaces alanine, which is neutral and non-polar, with valine, which is neutral and non-polar, at codon 138 of the SGPL1 protein (p.Ala138Val). This variant is present in population databases (rs748229676, gnomAD 0.0009%). This variant has not been reported in the literature in individuals affected with SGPL1-related conditions. Algorithms developed to predict the effect of missense changes on protein structure and function output the following: SIFT: "Tolerated"; PolyPhen-2: "Benign"; Align-GVGD: "Class C0". The valine amino acid residue is found in multiple mammalian species, which suggests that this missense change does not adversely affect protein function. In summary, the available evidence is currently insufficient to determine the role of this variant in disease. Therefore, it has been classified as a Variant of Uncertain Significance.